The following is an entry in ClinVar:

NC_000007.14:g.(?_2538049)_(2554451_?)dup

Gene: BRAT1 (BRCA1 associated ATM activator 1; minus strand). Cytogenetic location: 7p22.3.
Variant type: Duplication.
Identifiers: ClinVar variation 830768 (VCV000830768.1).

ClinVar aggregate classification (germline): Uncertain significance (1 of 4 stars; one submission).

Conditions:
Neonatal-onset encephalopathy with rigidity and seizures. Also called: Lethal neonatal spasticity-epileptic encephalopathy syndrome. Identifiers: Orphanet 435845, MedGen C3281029, MONDO:0013784, OMIM 614498.

Submission:

Labcorp Genetics (formerly Invitae), Labcorp
Classification: Uncertain significance for Rigidity and multifocal seizure syndrome, lethal neonatal. Last evaluated: 2019-11-15. Review status: criteria provided, single submitter. Criteria: Invitae Variant Classification Sherloc (09022015). Collection method: clinical testing. Allele origin: germline.
Comment: This variant results in a copy number gain of the genomic region encompassing the full coding sequence of the BRAT1 gene. The boundaries of this event are unknown as they extend beyond the assayed region for this gene and therefore may encompass additional genes. As the precise location of this event is unknown, it may be in tandem or it may be located elsewhere in the genome. This variant has not been reported in the literature in individuals with BRAT1-related conditions. In summary, the available evidence is currently insufficient to determine the role of this variant in disease. Therefore, it has been classified as a Variant of Uncertain Significance.